The following is an entry in ClinVar:

ClinVar aggregate classification (germline): Likely benign (1 of 4 stars; one submission).

Allele frequency attached by ClinVar (database versions not stated): gnomAD exomes 0.00061; 1000 Genomes Project 0.00539; 1000 Genomes Project 30x 0.00562; gnomAD 0.00691 and 0.00746; TOPMed 0.00768.
gnomAD v4.1: 1,954 of 1,610,642 alleles (0.12%); highest among the groups gnomAD compares: African/African-American, 2.4%; 23 homozygotes.

Submission:

GeneDx
Classification: Likely benign. Last evaluated: 2018-06-18. Review status: criteria provided, single submitter. Criteria: GeneDx Variant Classification (06012015). Collection method: clinical testing. Allele origin: germline. Affected: yes.
Comment: This variant is considered likely benign or benign based on one or more of the following criteria: it is a conservative change, it occurs at a poorly conserved position in the protein, it is predicted to be benign by multiple in silico algorithms, and/or has population frequency not consistent with disease.

NM_133642.5(LARGE1):c.1131+58C>T

Gene: LARGE1 (LARGE xylosyl- and glucuronyltransferase 1; minus strand). Cytogenetic location: 22q12.3.
Variant type: single nucleotide variant.
Coding change: c.1131+58C>T on transcript NM_133642.5 (MANE Select); 58 bases into the intron after coding-DNA position 1131, C replaced by T.
Molecular consequence: intron variant.
Genome position (GRCh38, 1-based): chr22:33,381,861, G>A on the plus strand (C>T on the coding strand, the complement: LARGE1 is on the minus strand). VCF-style: chr22-33381861-G-A. GRCh37 (hg19) VCF-style: chr22-33777847-G-A.
Other names: c.1131+58C>T (NM_001362953.2, NM_001362949.2, NM_001378627.1 and 7 more transcripts); c.528+58C>T (NM_001378631.1, NM_001378630.1).
Identifiers: ClinVar variation 674547 (VCV000674547.1), dbSNP rs144087511, ClinGen allele CA323721245.